The following is an entry in ClinVar:

ClinVar aggregate classification (germline): Uncertain significance. Review status: criteria provided, multiple submitters, no conflicts (2 of 4 stars). 3 submissions from 3 submitters: Uncertain significance (3). Last evaluated 2025-11-20.

Conditions:
Inborn genetic diseases. Identifiers: MedGen C0950123, MeSH D030342.
SHANK1-related disorder. Also called: SHANK1-related condition.

gnomAD v4.1: 1 of 1,613,812 alleles (0.000062%); highest among the groups gnomAD compares: Non-Finnish European, 0.000085%; no homozygotes.

Submissions (3):

Ambry Genetics
Classification: Uncertain significance for Inborn genetic diseases. Last evaluated: 2025-11-20. Review status: criteria provided, single submitter. Criteria: Ambry Variant Classification Scheme 2023. Collection method: clinical testing. Allele origin: germline.

GeneDx
Classification: Uncertain significance. Last evaluated: 2024-12-07. Review status: criteria provided, single submitter. Criteria: GeneDx Variant Classification Process June 2021. Collection method: clinical testing. Allele origin: germline. Affected: yes.
Comment: Not observed at significant frequency in large population cohorts (gnomAD); In silico analysis supports that this missense variant has a deleterious effect on protein structure/function; Has not been previously published as pathogenic or benign to our knowledge

PreventionGenetics, part of Exact Sciences
Classification: Uncertain significance for SHANK1-related condition. Last evaluated: 2023-07-13. Review status: criteria provided, single submitter. Criteria: ACMG Guidelines, 2015. Collection method: clinical testing. Allele origin: germline.
Comment: The SHANK1 c.2405C>T variant is predicted to result in the amino acid substitution p.Pro802Leu. To our knowledge, this variant has not been reported in the literature or in a large population database, indicating this variant is rare. At this time, the clinical significance of this variant is uncertain due to the absence of conclusive functional and genetic evidence.

NM_016148.5(SHANK1):c.2405C>T (p.Pro802Leu)

Gene: SHANK1 (SH3 and multiple ankyrin repeat domains 1; minus strand). Cytogenetic location: 19q13.33.
Variant type: single nucleotide variant.
Coding change: c.2405C>T on transcript NM_016148.5 (MANE Select); coding-DNA position 2405, C replaced by T.
Protein change: p.Pro802Leu; replaces proline 802 with leucine.
Molecular consequence: missense variant.
Genome position (GRCh38, 1-based): chr19:50,686,797, G>A on the plus strand (C>T on the coding strand, the complement: SHANK1 is on the minus strand). VCF-style: chr19-50686797-G-A. GRCh37 (hg19) VCF-style: chr19-51190054-G-A.
Other names: c.2405C>T (NM_016148.2); short protein forms P802L.
Identifiers: ClinVar variation 2628798 (VCV002628798.3), dbSNP rs1050853474, ClinGen allele CA407024540.